The following is an entry in ClinVar:

NM_198859.4(PRICKLE2):c.1334A>C (p.His445Pro)

Gene: PRICKLE2 (prickle planar cell polarity protein 2; minus strand). Cytogenetic location: 3p14.1.
Variant type: single nucleotide variant.
Coding change: c.1334A>C on transcript NM_198859.4 (MANE Select); coding-DNA position 1334, A replaced by C.
Protein change: p.His445Pro; replaces histidine 445 with proline.
Molecular consequence: missense variant.
Genome position (GRCh38, 1-based): chr3:64,147,156, T>G on the plus strand (A>C on the coding strand, the complement: PRICKLE2 is on the minus strand). VCF-style: chr3-64147156-T-G. GRCh37 (hg19) VCF-style: chr3-64132832-T-G.
Other names: c.1334A>C, p.His445Pro (NM_001370528.1); short protein forms H445P.
Identifiers: ClinVar variation 901395 (VCV000901395.5), dbSNP rs1162884450, ClinGen allele CA353430019.
Genomic context (GRCh38, chr3:64,147,156, plus strand): 5'-ATGAAGCTGCCAGCATGTCCTGTCATGGCCAGTGACGAGCTCCTTTTGGGGTTGCTGAAG[T>G]GCTTGCCCCACATTTCGGGCTGGGCCCCAGCCCCTTGCCCTCCTGGACTGTAGGAAGTTC-3'
Protein context (NP_942559.1, residues 435-455): AGAQPEMWGK[His445Pro]FSNPKRSSSL

ClinVar aggregate classification (germline): Uncertain significance. Review status: criteria provided, multiple submitters, no conflicts (2 of 4 stars). 2 submissions from 2 submitters: Uncertain significance (2). Last evaluated 2025-07-27.

Conditions:
Progressive myoclonic epilepsy. Also called: Myoclonus epilepsy; Familial progressive myoclonic epilepsy; Myoclonic Epilepsies, Progressive; Progressive myoclonus epilepsy. Identifiers: Orphanet 308, Orphanet 98261, MedGen C0751778, MONDO:0020074.
Progressive myoclonic epilepsy type 5. Identifiers: Orphanet 402082, MedGen C5190799.

Allele frequency attached by ClinVar (database versions not stated): gnomAD exomes below 0.00001; TOPMed below 0.00001; gnomAD 0.00001.
gnomAD v4.1: 3 of 1,614,032 alleles (0.00019%); highest among the groups gnomAD compares: Non-Finnish European, 0.00025%; no homozygotes.

Submissions (2):

Labcorp Genetics (formerly Invitae), Labcorp
Classification: Uncertain significance for Progressive myoclonic epilepsy type 5. Last evaluated: 2025-07-27. Review status: criteria provided, single submitter. Criteria: Invitae Variant Classification Sherloc (09022015). Collection method: clinical testing. Allele origin: germline.
Comment: This sequence change replaces histidine, which is basic and polar, with proline, which is neutral and non-polar, at codon 445 of the PRICKLE2 protein (p.His445Pro). This variant is not present in population databases (gnomAD no frequency). This variant has not been reported in the literature in individuals affected with PRICKLE2-related conditions. ClinVar contains an entry for this variant (Variation ID: 901395). An algorithm developed to predict the effect of missense changes on protein structure and function (PolyPhen-2) suggests that this variant is likely to be tolerated. In summary, the available evidence is currently insufficient to determine the role of this variant in disease. Therefore, it has been classified as a Variant of Uncertain Significance.

Illumina Laboratory Services, Illumina
Classification: Uncertain significance for Progressive myoclonic epilepsy. Last evaluated: 2018-01-13. Review status: criteria provided, single submitter. Criteria: ICSL Variant Classification Criteria 13 December 2019. Collection method: clinical testing. Allele origin: germline.